The following is an entry in ClinVar:

NM_001370259.2(MEN1):c.1193dup (p.Ser399fs)

Gene: MEN1 (menin 1; minus strand). Cytogenetic location: 11q13.1.
Variant type: Duplication.
Coding change: c.1193dup on transcript NM_001370259.2 (MANE Select); coding-DNA position 1193, one base duplicated (A; older notation c.1193dupA).
Protein change: p.Ser399fs; shifts the reading frame from serine 399.
Molecular consequence: frameshift variant.
Genome position (GRCh38, 1-based): chr11:64,805,191, T duplicated on the plus strand (A on the coding strand, the reverse complement: MEN1 is on the minus strand). VCF-style (leftmost placement, unchanged base first): chr11-64805190-C-CT. GRCh37 (hg19) VCF-style: chr11-64572662-C-CT.
Other names: c.1193dupA (NM_130799.2); c.1208dup, p.Ser404fs (NM_000244.4, NM_130800.3, NM_130801.3 and 3 more transcripts); c.1319dup, p.Ser441fs (NM_001370251.2); c.1193dup, p.Ser399fs (NM_001370260.2, NM_001370261.2, NM_130799.3); c.1088dup, p.Ser364fs (NM_001370262.2, NM_001370263.2); short protein forms S399fs, S404fs, S441fs, S364fs.
Identifiers: ClinVar variation 527241 (VCV000527241.7), dbSNP rs1555164430, ClinGen allele CA658797667.

ClinVar aggregate classification (germline): Pathogenic (1 of 4 stars; one submission).

Conditions:
Multiple endocrine neoplasia, type 1 (MEN1). Also called: MEN I; WERMER SYNDROME; Endocrine adenomatosis multiple; MEN 1; MEA I. Identifiers: Orphanet 652, MedGen C0025267, MeSH D018761, MONDO:0007540, OMIM 131100.

Submission:

Labcorp Genetics (formerly Invitae), Labcorp
Classification: Pathogenic for Multiple endocrine neoplasia, type 1. Last evaluated: 2017-11-16. Review status: criteria provided, single submitter. Criteria: Invitae Variant Classification Sherloc (09022015). Collection method: clinical testing. Allele origin: germline.
Comment: For these reasons, this variant has been classified as Pathogenic. Loss-of-function variants in MEN1 are known to be pathogenic (PMID: 12112656, 17853334). This variant has not been reported in the literature in individuals with MEN1-related disease. This variant is not present in population databases (ExAC no frequency). This sequence change creates a premature translational stop signal (p.Ser399Glufs*10) in the MEN1 gene. It is expected to result in an absent or disrupted protein product.

Literature cited by the submitters: PubMed 12112656; PubMed 17853334.